The following is an entry in ClinVar:

ClinVar aggregate classification (germline): Uncertain significance. Review status: criteria provided, multiple submitters, no conflicts (2 of 4 stars). 2 submissions from 2 submitters: Uncertain significance (2). Last evaluated 2024-03-09.

Conditions:
Hereditary cancer-predisposing syndrome. Also called: Neoplastic Syndromes, Hereditary; Hereditary neoplastic syndrome; Tumor predisposition; Hereditary Cancer Syndrome. Identifiers: Orphanet 140162, MedGen C0027672, MeSH D009386, MONDO:0015356.
Oligodontia-cancer predisposition syndrome. Also called: TOOTH AGENESIS-COLORECTAL CANCER SYNDROME. Identifiers: MedGen C1837750, MONDO:0012075, OMIM 608615, Orphanet 300576. Disease mechanism: loss of function.

Submissions (2):

Ambry Genetics
Classification: Uncertain significance for Hereditary cancer-predisposing syndrome. Last evaluated: 2024-03-09. Review status: criteria provided, single submitter. Criteria: Ambry Variant Classification Scheme 2023. Collection method: clinical testing. Allele origin: germline.
Comment: The p.M565I variant (also known as c.1695G>T), located in coding exon 5 of the AXIN2 gene, results from a G to T substitution at nucleotide position 1695. The methionine at codon 565 is replaced by isoleucine, an amino acid with highly similar properties. This amino acid position is conserved. In addition, this alteration is predicted to be tolerated by in silico analysis. Based on the available evidence, the clinical significance of this alteration remains unclear.

Labcorp Genetics (formerly Invitae), Labcorp
Classification: Uncertain significance for Oligodontia-cancer predisposition syndrome. Last evaluated: 2023-07-27. Review status: criteria provided, single submitter. Criteria: Invitae Variant Classification Sherloc (09022015). Collection method: clinical testing. Allele origin: germline.
Comment: Advanced modeling of protein sequence and biophysical properties (such as structural, functional, and spatial information, amino acid conservation, physicochemical variation, residue mobility, and thermodynamic stability) performed at Invitae indicates that this missense variant is not expected to disrupt AXIN2 protein function. This variant has not been reported in the literature in individuals affected with AXIN2-related conditions. This variant is not present in population databases (gnomAD no frequency). This sequence change replaces methionine, which is neutral and non-polar, with isoleucine, which is neutral and non-polar, at codon 565 of the AXIN2 protein (p.Met565Ile). In summary, the available evidence is currently insufficient to determine the role of this variant in disease. Therefore, it has been classified as a Variant of Uncertain Significance.

NM_004655.4(AXIN2):c.1695G>T (p.Met565Ile)

Gene: AXIN2 (axin 2; minus strand). Cytogenetic location: 17q24.1.
Variant type: single nucleotide variant.
Coding change: c.1695G>T on transcript NM_004655.4 (MANE Select); coding-DNA position 1695, G replaced by T.
Protein change: p.Met565Ile; replaces methionine 565 with isoleucine.
Molecular consequence: missense variant.
Genome position (GRCh38, 1-based): chr17:65,537,341, C>A on the plus strand (G>T on the coding strand, the complement: AXIN2 is on the minus strand). VCF-style: chr17-65537341-C-A. GRCh37 (hg19) VCF-style: chr17-63533459-C-A.
Other names: c.1695G>T, p.Met565Ile (NM_001363813.1); short protein forms M565I.
Identifiers: ClinVar variation 2854550 (VCV002854550.4), dbSNP rs886041138, ClinGen allele CA400676819.